The following is an entry in ClinVar:

NM_001134407.3(GRIN2A):c.4328G>A (p.Arg1443Lys)

Gene: GRIN2A (glutamate ionotropic receptor NMDA type subunit 2A; minus strand). Cytogenetic location: 16p13.2.
Variant type: single nucleotide variant.
Coding change: c.4328G>A on transcript NM_001134407.3 (MANE Select); coding-DNA position 4328, G replaced by A.
Protein change: p.Arg1443Lys; replaces arginine 1443 with lysine.
Molecular consequence: missense variant. On other transcripts: 3 prime UTR variant (1).
Genome position (GRCh38, 1-based): chr16:9,763,216, C>T on the plus strand (G>A on the coding strand, the complement: GRIN2A is on the minus strand). VCF-style: chr16-9763216-C-T. GRCh37 (hg19) VCF-style: chr16-9857073-C-T.
Other names: c.4328G>A, p.Arg1443Lys (NM_000833.5); c.*139G>A (NM_001134408.2); c.4328G>A (NM_000833.4); short protein forms R1443K.
Identifiers: ClinVar variation 1426421 (VCV001426421.10), dbSNP rs2141124724, ClinGen allele CA394705159.

ClinVar aggregate classification (germline): Uncertain significance. Review status: criteria provided, multiple submitters, no conflicts (2 of 4 stars). 2 submissions from 2 submitters: Uncertain significance (2). Last evaluated 2025-11-04.

Conditions:
Landau-Kleffner syndrome (FESD). Also called: APHASIA, ACQUIRED, WITH EPILEPSY; EPILEPSY, FOCAL, WITH SPEECH DISORDER AND WITH OR WITHOUT MENTAL RETARDATION. Identifiers: Orphanet 1945, Orphanet 725, Orphanet 98818, MedGen C0282512, MONDO:0009509, OMIM 245570.
GRIN2A-related complex neurodevelopmental disorder. Also called: GRIN2A-related disorder; GRIN2A-related condition. Identifiers: MedGen CN379781, MONDO:1060139.

gnomAD v4.1: 1 of 1,613,970 alleles (0.000062%); no homozygotes.

Submissions (2):

PreventionGenetics, part of Exact Sciences
Classification: Uncertain significance for GRIN2A-related condition. Last evaluated: 2025-11-04. Review status: criteria provided, single submitter. Criteria: ACMG Guidelines, 2015. Collection method: clinical testing. Allele origin: germline.
Comment: The GRIN2A c.4328G>A variant is predicted to result in the amino acid substitution p.Arg1443Lys. To our knowledge, this variant has not been reported in the literature or in a large population database (gnomAD), indicating this variant is rare. At this time, the clinical significance of this variant is uncertain due to the absence of conclusive functional and genetic evidence.

Labcorp Genetics (formerly Invitae), Labcorp
Classification: Uncertain significance for Landau-Kleffner syndrome. Last evaluated: 2022-07-26. Review status: criteria provided, single submitter. Criteria: Invitae Variant Classification Sherloc (09022015). Collection method: clinical testing. Allele origin: germline.
Comment: In summary, the available evidence is currently insufficient to determine the role of this variant in disease. Therefore, it has been classified as a Variant of Uncertain Significance. This sequence change replaces arginine, which is basic and polar, with lysine, which is basic and polar, at codon 1443 of the GRIN2A protein (p.Arg1443Lys). This variant is not present in population databases (gnomAD no frequency). This variant has not been reported in the literature in individuals affected with GRIN2A-related conditions. ClinVar contains an entry for this variant (Variation ID: 1426421). Advanced modeling of protein sequence and biophysical properties (such as structural, functional, and spatial information, amino acid conservation, physicochemical variation, residue mobility, and thermodynamic stability) performed at Invitae indicates that this missense variant is not expected to disrupt GRIN2A protein function. Algorithms developed to predict the effect of sequence changes on RNA splicing suggest that this variant may create or strengthen a splice site.